The following is an entry in ClinVar:

ClinVar aggregate classification (germline): Uncertain significance (1 of 4 stars; one submission).

Conditions:
Malignant hyperthermia, susceptibility to, 1 (MHS1). Also called: Anesthesia related hyperthermia; Malignant hyperpyrexia; Fulminating hyperpyrexia; Pharmacogenic myopathy; RYR1-Related Malignant Hyperthermia Susceptibility; Malignant hyperthermia suceptibility 1. Identifiers: Orphanet 423, MedGen C2930980, MONDO:0007783, OMIM 145600.

Allele frequency attached by ClinVar (database versions not stated): gnomAD exomes below 0.00001.
gnomAD v4.1: 1 of 1,545,882 alleles (0.000065%); highest among the groups gnomAD compares: Non-Finnish European, 0.000087%; no homozygotes.

Submission:

All of Us Research Program, National Institutes of Health
Classification: Uncertain significance for Malignant hyperthermia, susceptibility to, 1. Last evaluated: 2023-12-13. Review status: criteria provided, single submitter. Criteria: ACMG Guidelines, 2015. Collection method: clinical testing. Allele origin: germline. Inheritance: Autosomal dominant inheritance. Observed: 1 variant allele, 1 heterozygote.
Comment: This missense variant replaces glutamic acid with aspartic acid at codon 1058 of the RYR1 protein. Computational prediction suggests that this variant may not impact protein structure and function (internally defined REVEL score threshold <= 0.5, PMID: 27666373). To our knowledge, functional studies have not been reported for this variant. This variant has not been reported in individuals affected with RYR1-related disorders in the literature. This variant has not been identified in the general population by the Genome Aggregation Database (gnomAD). The available evidence is insufficient to determine the role of this variant in disease conclusively. Therefore, this variant is classified as a Variant of Uncertain Significance.

This study involves interpretation of variants in research participants for the purpose of population health screening. Participant phenotype was not available at the time of variant classification. Additional details can be found in publication PMID: 35346344, PMCID: PMC8962531

NM_000540.3(RYR1):c.3174G>T (p.Glu1058Asp)

Gene: RYR1 (ryanodine receptor 1; plus strand). Cytogenetic location: 19q13.2.
Variant type: single nucleotide variant.
Coding change: c.3174G>T on transcript NM_000540.3 (MANE Select); coding-DNA position 3174, G replaced by T.
Protein change: p.Glu1058Asp; replaces glutamic acid 1058 with aspartic acid.
Molecular consequence: missense variant.
Genome position (GRCh38, 1-based): chr19:38,466,394, G>T. VCF-style: chr19-38466394-G-T. GRCh37 (hg19) VCF-style: chr19-38957034-G-T.
Other names: c.3174G>T, p.Glu1058Asp (NM_001042723.2); short protein forms E1058D.
Identifiers: ClinVar variation 3074873 (VCV003074873.1), dbSNP rs1448959462, ClinGen allele CA405636021.